The following is an entry in ClinVar:

NM_170707.4(LMNA):c.790_792del (p.Glu264del)

Gene: LMNA (lamin A/C; plus strand). Cytogenetic location: 1q22.
Variant type: Deletion.
Coding change: c.790_792del on transcript NM_170707.4 (MANE Select); coding-DNA positions 790 to 792, 3 bases deleted (GAG; older notation c.790_792delGAG).
Protein change: p.Glu264del; deletes glutamic acid 264.
Molecular consequence: inframe deletion.
Genome position (GRCh38, 1-based): chr1:156,134,955-156,134,957, GAG deleted; deleting any 3 consecutive bases within chr1:156,134,954-156,134,957 gives the same sequence; the c. name uses the placement nearest the transcript's 3' end. VCF-style (leftmost placement, unchanged base first): chr1-156134953-TGGA-T. GRCh37 (hg19) VCF-style: chr1-156104744-TGGA-T.
Other names: c.454_456del, p.Glu152del (NM_001257374.3); c.547_549del, p.Glu183del (NM_001282624.2); c.790_792del, p.Glu264del (NM_001282625.2, NM_001282626.2, NM_005572.4 and 1 more transcripts); short protein forms E264del, E183del, E152del.
Identifiers: ClinVar variation 435776 (VCV000435776.10), dbSNP rs1553265369, ClinGen allele CA645372477.

ClinVar aggregate classification (germline): Conflicting classifications of pathogenicity. Review status: criteria provided, conflicting classifications (1 of 4 stars). 2 submissions from 2 submitters: Likely pathogenic (1); Uncertain significance (1). Last evaluated 2022-10-17.

Conditions:
Muscular dystrophy. Identifiers: Orphanet 98473, MedGen C0026850, MeSH D009136, MONDO:0020121, HP:0003560.
Charcot-Marie-Tooth disease type 2. Also called: Charcot-Marie-Tooth type 2. Identifiers: Orphanet 64746, MedGen C0270914, MONDO:0018993.

Submissions (2):

Labcorp Genetics (formerly Invitae), Labcorp
Classification: Uncertain significance for Charcot-Marie-Tooth disease type 2. Last evaluated: 2022-10-17. Review status: criteria provided, single submitter. Criteria: Invitae Variant Classification Sherloc (09022015). Collection method: clinical testing. Allele origin: germline.
Comment: This variant has not been reported in the literature in individuals affected with LMNA-related conditions. This variant is not present in population databases (gnomAD no frequency). This variant, c.790_792del, results in the deletion of 1 amino acid(s) of the LMNA protein (p.Glu264del), but otherwise preserves the integrity of the reading frame. In summary, the available evidence is currently insufficient to determine the role of this variant in disease. Therefore, it has been classified as a Variant of Uncertain Significance. Experimental studies and prediction algorithms are not available or were not evaluated, and the functional significance of this variant is currently unknown. ClinVar contains an entry for this variant (Variation ID: 435776).

Genetic Services Laboratory, University of Chicago
Classification: Likely pathogenic for Muscular dystrophy. Last evaluated: 2013-02-08. Review status: criteria provided, single submitter. Criteria: ACMG Guidelines, 2007. Collection method: clinical testing. Allele origin: germline. Affected: yes.